The following is an entry in ClinVar:

ClinVar aggregate classification (germline): Benign. Review status: criteria provided, multiple submitters, no conflicts (2 of 4 stars). 2 submissions from 2 submitters: Benign (2). Last evaluated 2018-03-06.

Conditions:
Autosomal dominant pseudohypoaldosteronism type 1. Also called: Pseudohypoaldosteronism, Type I, Autosomal Dominant; PHA I, AUTOSOMAL DOMINANT; Pseudohypoaldosteronism, Type I, Dominant. Identifiers: Orphanet 171871, Orphanet 756, MedGen C1449842, MONDO:0008329, OMIM 177735.

Allele frequency attached by ClinVar (database versions not stated): gnomAD 0.48561 and 0.49792; TOPMed 0.49307; 1000 Genomes Project 30x 0.54450; 1000 Genomes Project 0.55351; gnomAD exomes 0.60227.
gnomAD v4.1: 75,819 of 152,086 alleles (50%); highest among the groups gnomAD compares: East Asian, 83%; 21,143 homozygotes.

Submissions (2):

Illumina Laboratory Services, Illumina
Classification: Benign for Autosomal dominant pseudohypoaldosteronism type 1. Last evaluated: 2018-03-06. Review status: criteria provided, single submitter. Criteria: ICSL Variant Classification Criteria 13 December 2019. Collection method: clinical testing. Allele origin: germline.
Comment: This variant was observed in the ICSL laboratory as part of a predisposition screen in an ostensibly healthy population. It had not been previously curated by ICSL or reported in the Human Gene Mutation Database (HGMD: prior to June 1st, 2018), and was therefore a candidate for classification through an automated scoring system. Utilizing variant allele frequency, disease prevalence and penetrance estimates, and inheritance mode, an automated score was calculated to assess if this variant is too frequent to cause the disease. Based on the score and internal cut-off values, a variant classified as benign is not then subjected to further curation. The score for this variant resulted in a classification of benign for this disease.

Breakthrough Genomics
Classification: Benign. Review status: criteria provided, single submitter. Criteria: ACMG Guidelines, 2015. Collection method: not provided. Allele origin: germline. Inheritance: Autosomal dominant inheritance. Affected: yes.

NM_000901.5(NR3C2):c.*1410A>G

Gene: NR3C2 (nuclear receptor subfamily 3 group C member 2; minus strand). Cytogenetic location: 4q31.23.
Variant type: single nucleotide variant.
Coding change: c.*1410A>G on transcript NM_000901.5 (MANE Select); 1410 bases downstream of the stop codon, A replaced by G.
Molecular consequence: 3 prime UTR variant. On other transcripts: non-coding transcript variant (1).
Genome position (GRCh38, 1-based): chr4:148,079,934, T>C on the plus strand (A>G on the coding strand, the complement: NR3C2 is on the minus strand). VCF-style: chr4-148079934-T-C. GRCh37 (hg19) VCF-style: chr4-149001085-T-C.
Other names: c.*1410A>G (NM_001166104.2, NM_001354819.1).
Identifiers: ClinVar variation 347695 (VCV000347695.6), dbSNP rs5534, ClinGen allele CA10617175.